The following is an entry in ClinVar:

NM_001099922.3(ALG13):c.1841G>C (p.Arg614Thr)

Gene: ALG13 (ALG13 UDP-N-acetylglucosaminyltransferase subunit; plus strand). Cytogenetic location: Xq23.
Variant type: single nucleotide variant.
Coding change: c.1841G>C on transcript NM_001099922.3 (MANE Select); coding-DNA position 1841, G replaced by C.
Protein change: p.Arg614Thr; replaces arginine 614 with threonine.
Molecular consequence: missense variant. On other transcripts: non-coding transcript variant (1).
Genome position (GRCh38, 1-based): chrX:111,726,920, G>C. VCF-style: chrX-111726920-G-C. GRCh37 (hg19) VCF-style: chrX-110970148-G-C.
Other names: c.1529G>C, p.Arg510Thr (NM_001257230.2, NM_001257234.2, NM_001257237.2); c.1607G>C, p.Arg536Thr (NM_001257231.2); c.1841G>C, p.Arg614Thr (NM_001324292.2); c.1355G>C, p.Arg452Thr (NM_001324293.1); short protein forms R510T, R614T, R536T, R452T.
Identifiers: ClinVar variation 1043890 (VCV001043890.9), dbSNP rs752779777, ClinGen allele CA10493775.
Genomic context (GRCh38, chrX:111,726,920, plus strand): 5'-GAGGGAAAGAAGTTTACATGACTATGGCTTACGGCAAGGGAGACCCCCTCCTCCCACCCA[G>C]GCTGCAGCACAGTATGCATTATGGGCACGATCCTCCAATGCACTACTCACAGACAGCTGG-3'
Protein context (NP_001093392.1, residues 604-624): YGKGDPLLPP[Arg614Thr]LQHSMHYGHD

ClinVar aggregate classification (germline): Uncertain significance (1 of 4 stars; one submission).

Conditions:
Developmental and epileptic encephalopathy, 36 (DEE36). Also called: ALG13-CDG; Congenital disorder of glycosylation, type Is; Epileptic encephalopathy, early infantile, 36. Identifiers: Orphanet 324422, MedGen C4317295, MONDO:0010472, OMIM 300884.

Allele frequency attached by ClinVar (database versions not stated): gnomAD exomes below 0.00001 and 0.00001; ExAC 0.00001; gnomAD 0.00005 and 0.00008; TOPMed 0.00006.
gnomAD v4.1: 11 of 1,209,716 alleles (0.00091%); highest among the groups gnomAD compares: African/African-American, 0.019%; no homozygotes.

Submission:

Labcorp Genetics (formerly Invitae), Labcorp
Classification: Uncertain significance for Developmental and epileptic encephalopathy, 36. Last evaluated: 2023-10-13. Review status: criteria provided, single submitter. Criteria: Invitae Variant Classification Sherloc (09022015). Collection method: clinical testing. Allele origin: germline.
Comment: This sequence change replaces arginine, which is basic and polar, with threonine, which is neutral and polar, at codon 614 of the ALG13 protein (p.Arg614Thr). This variant is present in population databases (rs752779777, gnomAD 0.02%). This variant has not been reported in the literature in individuals affected with ALG13-related conditions. ClinVar contains an entry for this variant (Variation ID: 1043890). Advanced modeling of protein sequence and biophysical properties (such as structural, functional, and spatial information, amino acid conservation, physicochemical variation, residue mobility, and thermodynamic stability) performed at Invitae indicates that this missense variant is not expected to disrupt ALG13 protein function. In summary, the available evidence is currently insufficient to determine the role of this variant in disease. Therefore, it has been classified as a Variant of Uncertain Significance.